The following is an entry in ClinVar:

NM_005228.5(EGFR):c.3271+26C>T

Gene: EGFR (epidermal growth factor receptor; plus strand). Cytogenetic location: 7p11.2.
Variant type: single nucleotide variant.
Coding change: c.3271+26C>T on transcript NM_005228.5 (MANE Select); 26 bases into the intron after coding-DNA position 3271, C replaced by T.
Molecular consequence: intron variant. On other transcripts: synonymous variant (2).
Genome position (GRCh38, 1-based): chr7:55,202,651, C>T. VCF-style: chr7-55202651-C-T. GRCh37 (hg19) VCF-style: chr7-55270344-C-T.
Other names: c.3162C>T, p.Ser1054= (NM_001346897.2); c.3297C>T, p.Ser1099= (NM_001346898.2); c.3136+26C>T (NM_001346899.2); c.2470+26C>T (NM_001346941.2); c.3112+26C>T (NM_001346900.2).
Identifiers: ClinVar variation 2657513 (VCV002657513.24), dbSNP rs761494116, ClinGen allele CA4266342.

ClinVar aggregate classification (germline): Likely benign (1 of 4 stars; one submission).

Allele frequency attached by ClinVar (database versions not stated): gnomAD exomes below 0.00001; gnomAD 0.00001; ExAC 0.00002; TOPMed 0.00002.
gnomAD v4.1: 7 of 1,591,354 alleles (0.00044%); highest among the groups gnomAD compares: Admixed American, 0.0017%; no homozygotes.

Submission:

CeGaT Center for Human Genetics Tuebingen
Classification: Likely benign. Last evaluated: 2022-03-01. Review status: criteria provided, single submitter. Criteria: CeGaT Center For Human Genetics Tuebingen Variant Classification Criteria Version 2. Collection method: clinical testing. Allele origin: germline. Affected: yes. Observed: 1 variant allele.
Comment: EGFR: BP4, BP7